The following is an entry in ClinVar:

ClinVar aggregate classification (germline): Uncertain significance (1 of 4 stars; one submission).

Conditions:
Brugada syndrome 5 (BRGDA5). Identifiers: Orphanet 130, Orphanet 871, MedGen C2748541, MONDO:0013015, OMIM 612838.

Submission:

Labcorp Genetics (formerly Invitae), Labcorp
Classification: Uncertain significance for Brugada syndrome 5. Last evaluated: 2019-10-16. Review status: criteria provided, single submitter. Criteria: Invitae Variant Classification Sherloc (09022015). Collection method: clinical testing. Allele origin: germline.
Comment: In summary, the available evidence is currently insufficient to determine the role of this variant in disease. Therefore, it has been classified as a Variant of Uncertain Significance. Algorithms developed to predict the effect of missense changes on protein structure and function (SIFT, PolyPhen-2, Align-GVGD) all suggest that this variant is likely to be disruptive, but these predictions have not been confirmed by published functional studies and their clinical significance is uncertain. This variant has not been reported in the literature in individuals with SCN1B-related conditions. This variant is not present in population databases (ExAC no frequency). This sequence change replaces leucine with proline at codon 71 of the SCN1B protein (p.Leu71Pro). The leucine residue is highly conserved and there is a moderate physicochemical difference between leucine and proline.

NM_001037.5(SCN1B):c.212T>C (p.Leu71Pro)

Gene: SCN1B (sodium voltage-gated channel beta subunit 1; plus strand). Cytogenetic location: 19q13.11.
Variant type: single nucleotide variant.
Coding change: c.212T>C on transcript NM_001037.5 (MANE Select); coding-DNA position 212, T replaced by C.
Protein change: p.Leu71Pro; replaces leucine 71 with proline.
Molecular consequence: missense variant.
Genome position (GRCh38, 1-based): chr19:35,033,503, T>C. VCF-style: chr19-35033503-T-C. GRCh37 (hg19) VCF-style: chr19-35524407-T-C.
Other names: c.113T>C, p.Leu38Pro (NM_001321605.2); c.212T>C, p.Leu71Pro (NM_199037.5); short protein forms L71P, L38P.
Identifiers: ClinVar variation 938471 (VCV000938471.9), dbSNP rs2064227283, ClinGen allele CA405328471.